The following is an entry in ClinVar:

NM_001114134.2(EPB42):c.-51T>C

Gene: EPB42 (erythrocyte membrane protein band 4.2; minus strand). Cytogenetic location: 15q15.2.
Variant type: single nucleotide variant.
Coding change: c.-51T>C on transcript NM_001114134.2 (MANE Select); 51 bases upstream of the start codon, T replaced by C.
Molecular consequence: 5 prime UTR variant.
Genome position (GRCh38, 1-based): chr15:43,220,876, A>G on the plus strand (T>C on the coding strand, the complement: EPB42 is on the minus strand). VCF-style: chr15-43220876-A-G. GRCh37 (hg19) VCF-style: chr15-43513074-A-G.
Other names: c.-51T>C (NM_000119.3).
Identifiers: ClinVar variation 316030 (VCV000316030.18), dbSNP rs16957499, ClinGen allele CA7520766.

ClinVar aggregate classification (germline): Benign. Review status: criteria provided, multiple submitters, no conflicts (2 of 4 stars). 4 submissions from 4 submitters: Benign (4). Last evaluated 2022-05-10.

Conditions:
Hereditary spherocytosis type 5. Also called: EPB42-Related Spherocytosis; EPB42-Related Hereditary Spherocytosis. Identifiers: Orphanet 822, MedGen C2675192, MONDO:0012985, OMIM 612690.

Allele frequency attached by ClinVar (database versions not stated): gnomAD exomes 0.00553 and 0.01539; ExAC 0.01790; gnomAD 0.04811 and 0.05107; ESP Exome Variant Server 0.05444; TOPMed 0.05480; 1000 Genomes Project 0.05511; 1000 Genomes Project 30x 0.05778.
gnomAD v4.1: 15,515 of 1,530,134 alleles (1%); highest among the groups gnomAD compares: African/African-American, 16%; 1,073 homozygotes.

Submissions (4):

ARUP Laboratories, Molecular Genetics and Genomics, ARUP Laboratories
Classification: Benign for Hereditary spherocytosis type 5. Last evaluated: 2022-05-10. Review status: criteria provided, single submitter. Criteria: ARUP Molecular Germline Variant Investigation Process 2021. Collection method: clinical testing. Allele origin: germline.

GeneDx
Classification: Benign. Last evaluated: 2018-11-11. Review status: criteria provided, single submitter. Criteria: GeneDx Variant Classification Process June 2021. Collection method: clinical testing. Allele origin: germline. Affected: yes.

Illumina Laboratory Services, Illumina
Classification: Benign for Hereditary spherocytosis type 5. Last evaluated: 2018-01-12. Review status: criteria provided, single submitter. Criteria: ICSL Variant Classification Criteria 13 December 2019. Collection method: clinical testing. Allele origin: germline.
Comment: This variant was observed in the ICSL laboratory as part of a predisposition screen in an ostensibly healthy population. It had not been previously curated by ICSL or reported in the Human Gene Mutation Database (HGMD: prior to June 1st, 2018), and was therefore a candidate for classification through an automated scoring system. Utilizing variant allele frequency, disease prevalence and penetrance estimates, and inheritance mode, an automated score was calculated to assess if this variant is too frequent to cause the disease. Based on the score and internal cut-off values, a variant classified as benign is not then subjected to further curation. The score for this variant resulted in a classification of benign for this disease.

Breakthrough Genomics
Classification: Benign. Review status: criteria provided, single submitter. Criteria: ACMG Guidelines, 2015. Collection method: not provided. Allele origin: germline. Inheritance: Unknown mechanism. Affected: yes.